The following is an entry in ClinVar:

NM_000540.3(RYR1):c.1286dup (p.Pro430fs)

Gene: RYR1 (ryanodine receptor 1; plus strand). Cytogenetic location: 19q13.2.
Variant type: Duplication.
Coding change: c.1286dup on transcript NM_000540.3 (MANE Select); coding-DNA position 1286, one base duplicated (C; older notation c.1286dupC).
Protein change: p.Pro430fs; shifts the reading frame from proline 430.
Molecular consequence: frameshift variant.
Genome position (GRCh38, 1-based): chr19:38,452,860, C duplicated; the last of 2 consecutive C bases (chr19:38,452,859-38,452,860); duplicating either gives the same sequence. VCF-style (leftmost placement, unchanged base first): chr19-38452858-G-GC. GRCh37 (hg19) VCF-style: chr19-38943498-G-GC.
Other names: c.1286dup, p.Pro430fs (NM_001042723.2); short protein forms P430fs.
Identifiers: ClinVar variation 2418906 (VCV002418906.5), dbSNP rs2514015864, ClinGen allele CA2580096928.

ClinVar aggregate classification (germline): Pathogenic (1 of 4 stars; one submission).

Conditions:
RYR1-related disorder. Also called: RYR1-related condition; RYR1-related disorders. Identifiers: MedGen CN239331.

Submission:

Labcorp Genetics (formerly Invitae), Labcorp
Classification: Pathogenic for RYR1-related disorder. Last evaluated: 2022-04-11. Review status: criteria provided, single submitter. Criteria: Invitae Variant Classification Sherloc (09022015). Collection method: clinical testing. Allele origin: germline.
Comment: This variant is not present in population databases (gnomAD no frequency). This sequence change creates a premature translational stop signal (p.Pro430Thrfs*75) in the RYR1 gene. It is expected to result in an absent or disrupted protein product. Loss-of-function variants in RYR1 are known to be pathogenic (PMID: 20583297, 20839240, 23919265, 28818389). For these reasons, this variant has been classified as Pathogenic. This variant has not been reported in the literature in individuals affected with RYR1-related conditions.

Literature cited by the submitters: PubMed 20583297; PubMed 20839240; PubMed 23919265; PubMed 28818389.